The following is an entry in ClinVar:

ClinVar aggregate classification (germline): Uncertain significance (1 of 4 stars; one submission).

Submission:

GeneDx
Classification: Uncertain significance. Last evaluated: 2023-08-08. Review status: criteria provided, single submitter. Criteria: GeneDx Variant Classification Process June 2021. Collection method: clinical testing. Allele origin: germline. Affected: yes.
Comment: Not observed at significant frequency in large population cohorts (gnomAD); In silico analysis supports that this missense variant has a deleterious effect on protein structure/function; Has not been previously published as pathogenic or benign to our knowledge

NM_014391.3(ANKRD1):c.485T>G (p.Leu162Trp)

Gene: ANKRD1 (ankyrin repeat domain 1; minus strand). Cytogenetic location: 10q23.31.
Variant type: single nucleotide variant.
Coding change: c.485T>G on transcript NM_014391.3 (MANE Select); coding-DNA position 485, T replaced by G.
Protein change: p.Leu162Trp; replaces leucine 162 with tryptophan.
Molecular consequence: missense variant.
Genome position (GRCh38, 1-based): chr10:90,917,799, A>C on the plus strand (T>G on the coding strand, the complement: ANKRD1 is on the minus strand). VCF-style: chr10-90917799-A-C. GRCh37 (hg19) VCF-style: chr10-92677556-A-C.
Other names: short protein forms L162W.
Identifiers: ClinVar variation 3361906 (VCV003361906.1).